The following is an entry in ClinVar:

ClinVar aggregate classification (germline): Uncertain significance (1 of 4 stars; one submission).

gnomAD v4.1: 7 of 1,613,950 alleles (0.00043%); highest among the groups gnomAD compares: Non-Finnish European, 0.00051%; no homozygotes.

Submission:

Dasa
Classification: Uncertain significance. Last evaluated: 2026-02-01. Review status: criteria provided, single submitter. Criteria: DASA Assertion Criteria. Collection method: clinical testing. Allele origin: germline.
Comment: NM_020549.5(CHAT):c.1259G>A (p.Arg420His) is a missense variant that results in the substitution of arginine with histidine. The affected residue or protein region has prior evidence supporting clinical relevance. This variant is rare in population databases. Computational prediction algorithms are consistent with a deleterious effect. The currently available literature and clinical evidence are not sufficient to establish a definitive association between this variant and the reported condition. Therefore, this variant is classified as a variant of uncertain significance.

NM_020549.5(CHAT):c.1259G>A (p.Arg420His)

Gene: CHAT (choline O-acetyltransferase; plus strand). Cytogenetic location: 10q11.23.
Variant type: single nucleotide variant.
Coding change: c.1259G>A on transcript NM_020549.5 (MANE Select); coding-DNA position 1259, G replaced by A.
Protein change: p.Arg420His; replaces arginine 420 with histidine.
Molecular consequence: missense variant.
Genome position (GRCh38, 1-based): chr10:49,646,652, G>A. VCF-style: chr10-49646652-G-A. GRCh37 (hg19) VCF-style: chr10-50854698-G-A.
Other names: c.905G>A, p.Arg302His (NM_001142929.2, NM_001142934.2, NM_020984.4 and 2 more transcripts); c.1013G>A, p.Arg338His (NM_001142933.2); short protein forms R302H, R338H, R420H.
Identifiers: ClinVar variation 4885575 (VCV004885575.2).